The following is an entry in ClinVar:

ClinVar aggregate classification (germline): Conflicting classifications of pathogenicity. Review status: criteria provided, conflicting classifications (1 of 4 stars). 2 submissions from 2 submitters: Uncertain significance (1); Likely benign (1). Last evaluated 2024-10-16.

Allele frequency attached by ClinVar (database versions not stated): gnomAD 0.00001; ExAC 0.00002; TOPMed 0.00002; gnomAD exomes 0.00003.
gnomAD v4.1: 42 of 1,578,358 alleles (0.0027%); highest among the groups gnomAD compares: Non-Finnish European, 0.0036%; no homozygotes.

Submissions (3):

Labcorp Genetics (formerly Invitae), Labcorp
Classification: Uncertain significance. Last evaluated: 2024-10-16. Review status: criteria provided, single submitter. Criteria: Invitae Variant Classification Sherloc (09022015). Collection method: clinical testing. Allele origin: germline.
Comment: This sequence change replaces aspartic acid, which is acidic and polar, with asparagine, which is neutral and polar, at codon 187 of the ORC6 protein (p.Asp187Asn). This variant is present in population databases (rs755961535, gnomAD 0.006%). This variant has not been reported in the literature in individuals affected with ORC6-related conditions. ClinVar contains an entry for this variant (Variation ID: 1448536). Invitae Evidence Modeling of protein sequence and biophysical properties (such as structural, functional, and spatial information, amino acid conservation, physicochemical variation, residue mobility, and thermodynamic stability) indicates that this missense variant is not expected to disrupt ORC6 protein function with a negative predictive value of 80%. In summary, the available evidence is currently insufficient to determine the role of this variant in disease. Therefore, it has been classified as a Variant of Uncertain Significance.

Blueprint Genetics
Classification: Likely benign. Last evaluated: 2023-12-01. Review status: criteria provided, single submitter. Criteria: ACMG Guidelines, 2015. Collection method: clinical testing. Allele origin: germline.

Dr. Peter K. Rogan Lab, Western University
No classification provided (evidence only). Condition: Melanoma. Review status: no classification provided. Collection method: in vitro. Allele origin: not applicable. Functional consequence: retained intron. Not counted in ClinVar's aggregate classification.

NM_014321.4(ORC6):c.559G>A (p.Asp187Asn)

Gene: ORC6 (origin recognition complex subunit 6; plus strand). Cytogenetic location: 16q11.2.
Variant type: single nucleotide variant.
Coding change: c.559G>A on transcript NM_014321.4 (MANE Select); coding-DNA position 559, G replaced by A.
Protein change: p.Asp187Asn; replaces aspartic acid 187 with asparagine.
Molecular consequence: missense variant. On other transcripts: non-coding transcript variant (1).
Genome position (GRCh38, 1-based): chr16:46,695,671, G>A. VCF-style: chr16-46695671-G-A. GRCh37 (hg19) VCF-style: chr16-46729583-G-A.
Other names: short protein forms D187N.
Identifiers: ClinVar variation 1448536 (VCV001448536.7), dbSNP rs755961535, ClinGen allele CA8037423.